The following is an entry in ClinVar:

ClinVar aggregate classification (germline): Uncertain significance (1 of 4 stars; one submission).

Conditions:
Nizon-Isidor syndrome. Identifiers: MedGen C5394350, MONDO:0030030, OMIM 618872.

Submission:

Breda Genetics srl
Classification: Uncertain significance for Nizon-Isidor syndrome. Last evaluated: 2021-02-03. Review status: criteria provided, single submitter. Criteria: ACMG Guidelines, 2015. Collection method: clinical testing. Allele origin: inherited. Inheritance: Autosomal dominant inheritance. Affected: yes. Observed: 1 variant allele, 1 heterozygote.
Comment: Based on allele frequency, in-silico prediction scores and a certain overlap with the clinical phenotype, we interpreted this variant at least as of uncertain significance. The lack of one or more of the following features has discouraged further investigations: lack of a possible second hit in autosomal recessive conditions, presence of healthy controls in databases for autosomal dominant conditions, presence of unmatching cardinal clinical features in the patient or in the known gene-disease association, and/or variant type outside the known gene mutational spectrum.

NM_001393769.1(MED12L):c.2611C>T (p.Leu871Phe)

Genes: MED12L (mediator complex subunit 12L; plus strand), P2RY12 (purinergic receptor P2Y12; minus strand). Cytogenetic location: 3q25.1.
Variant type: single nucleotide variant.
Coding change: c.2611C>T on transcript NM_001393769.1 (MANE Select); coding-DNA position 2611, C replaced by T.
Protein change: p.Leu871Phe; replaces leucine 871 with phenylalanine.
Molecular consequence: missense variant. On other transcripts: intron variant (1).
Genome position (GRCh38, 1-based): chr3:151,355,989, C>T. VCF-style: chr3-151355989-C-T. GRCh37 (hg19) VCF-style: chr3-151073777-C-T.
Other names: c.-179-15229G>A (NM_022788.5); c.2506C>T, p.Leu836Phe (NM_053002.6); short protein forms L836F, L871F.
Identifiers: ClinVar variation 1299247 (VCV001299247.1), dbSNP rs2150052393, ClinGen allele CA354964872.